The following is an entry in ClinVar:

NM_000264.5(PTCH1):c.4241T>C (p.Val1414Ala)

Gene: PTCH1 (patched 1; minus strand). Cytogenetic location: 9q22.32.
Variant type: single nucleotide variant.
Coding change: c.4241T>C on transcript NM_000264.5 (MANE Select); coding-DNA position 4241, T replaced by C.
Protein change: p.Val1414Ala; replaces valine 1414 with alanine.
Molecular consequence: missense variant. On other transcripts: non-coding transcript variant (1).
Genome position (GRCh38, 1-based): chr9:95,447,015, A>G on the plus strand (T>C on the coding strand, the complement: PTCH1 is on the minus strand). VCF-style: chr9-95447015-A-G. GRCh37 (hg19) VCF-style: chr9-98209297-A-G.
Other names: c.4043T>C, p.Val1348Ala (NM_001083602.3); c.4238T>C, p.Val1413Ala (NM_001083603.3); c.3788T>C, p.Val1263Ala (NM_001083604.3, NM_001083605.3, NM_001083606.3 and 1 more transcripts); c.4085T>C, p.Val1362Ala (NM_001354918.2); short protein forms V1263A, V1348A, V1414A, V1413A, V1362A.
Identifiers: ClinVar variation 1739004 (VCV001739004.2), dbSNP rs1481818673, ClinGen allele CA374110046.

ClinVar aggregate classification (germline): Uncertain significance (1 of 4 stars; one submission).

Conditions:
Hereditary cancer-predisposing syndrome. Also called: Hereditary Cancer Syndrome; Hereditary neoplastic syndrome; Neoplastic Syndromes, Hereditary; Tumor predisposition. Identifiers: Orphanet 140162, MedGen C0027672, MeSH D009386, MONDO:0015356.

Allele frequency attached by ClinVar (database versions not stated): gnomAD 0.00001; TOPMed below 0.00001.
gnomAD v4.1: 1 of 1,614,064 alleles (0.000062%); highest among the groups gnomAD compares: African/African-American, 0.0013%; no homozygotes.

Submission:

Ambry Genetics
Classification: Uncertain significance for Hereditary cancer-predisposing syndrome. Last evaluated: 2022-02-26. Review status: criteria provided, single submitter. Criteria: Ambry Variant Classification Scheme 2023. Collection method: clinical testing. Allele origin: germline.
Comment: The p.V1414A variant (also known as c.4241T>C), located in coding exon 23 of the PTCH1 gene, results from a T to C substitution at nucleotide position 4241. The valine at codon 1414 is replaced by alanine, an amino acid with similar properties. This amino acid position is conserved. In addition, this alteration is predicted to be deleterious by in silico analysis. Since supporting evidence is limited at this time, the clinical significance of this alteration remains unclear.